The following is an entry in ClinVar:

ClinVar aggregate classification (germline): Uncertain significance (1 of 4 stars; one submission).

Conditions:
Aortic aneurysm, familial thoracic 8 (AAT8). Identifiers: MedGen C3809513, MONDO:0014187, OMIM 615436.

Submission:

Labcorp Genetics (formerly Invitae), Labcorp
Classification: Uncertain significance for Aortic aneurysm, familial thoracic 8. Last evaluated: 2022-02-27. Review status: criteria provided, single submitter. Criteria: Invitae Variant Classification Sherloc (09022015). Collection method: clinical testing. Allele origin: germline.
Comment: In summary, the available evidence is currently insufficient to determine the role of this variant in disease. Therefore, it has been classified as a Variant of Uncertain Significance. Variants that disrupt the consensus splice site are a relatively common cause of aberrant splicing (PMID: 17576681, 9536098). Algorithms developed to predict the effect of sequence changes on RNA splicing suggest that this variant is not likely to affect RNA splicing. This variant has not been reported in the literature in individuals affected with PRKG1-related conditions. This variant is not present in population databases (gnomAD no frequency). This sequence change falls in intron 6 of the PRKG1 gene. It does not directly change the encoded amino acid sequence of the PRKG1 protein. It affects a nucleotide within the consensus splice site.

Literature cited by the submitters: PubMed 17576681; PubMed 9536098.

NM_006258.4(PRKG1):c.840+3A>G

Gene: PRKG1 (protein kinase cGMP-dependent 1; plus strand). Cytogenetic location: 10q21.1.
Variant type: single nucleotide variant.
Coding change: c.840+3A>G on transcript NM_006258.4 (MANE Select); 3 bases into the intron after coding-DNA position 840, A replaced by G.
Molecular consequence: intron variant.
Genome position (GRCh38, 1-based): chr10:52,054,564, A>G. VCF-style: chr10-52054564-A-G. GRCh37 (hg19) VCF-style: chr10-53814324-A-G.
Other names: c.795+3A>G (NM_001098512.3); c.840+3A>G (NM_001374782.1); c.-370+3A>G (NM_001374781.1).
Identifiers: ClinVar variation 2120142 (VCV002120142.4), dbSNP rs2494961264, ClinGen allele CA2580081593.
Genomic context (GRCh38, chr10:52,054,564, plus strand): 5'-ATATATTATCAGGCAAGGTGCAAGAGGGGACACCTTCTTTATCATCAGCAAAGGAACGGT[A>G]AGCTTTGGTGGCACAAGACAGTGATGCACTAGGGGAGCCTGGGGTTGGTTAGTAACTCCA-3'